The following is an entry in ClinVar:

NM_001378778.1(MPDZ):c.3771C>A (p.Asn1257Lys)

Gene: MPDZ (multiple PDZ domain crumbs cell polarity complex component; minus strand). Cytogenetic location: 9p23.
Variant type: single nucleotide variant.
Coding change: c.3771C>A on transcript NM_001378778.1 (MANE Select); coding-DNA position 3771, C replaced by A.
Protein change: p.Asn1257Lys; replaces asparagine 1257 with lysine.
Molecular consequence: missense variant. On other transcripts: intron variant (14).
Genome position (GRCh38, 1-based): chr9:13,143,535, G>T on the plus strand (C>A on the coding strand, the complement: MPDZ is on the minus strand). VCF-style: chr9-13143535-G-T. GRCh37 (hg19) VCF-style: chr9-13143534-G-T.
Other names: c.3771C>A, p.Asn1257Lys (NM_001330637.2, NM_001375413.1, NM_003829.5); c.3631-3386C>A (NM_001375425.1, NM_001375420.1, NM_001375423.1 and 4 more transcripts); c.3742-3386C>A (NM_001375419.1, NM_001375416.1, NM_001375418.1 and 3 more transcripts); c.3433-3386C>A (NM_001375427.1); short protein forms N1257K.
Identifiers: ClinVar variation 1395391 (VCV001395391.3), dbSNP rs1387556284, ClinGen allele CA372950105.

ClinVar aggregate classification (germline): Uncertain significance (1 of 4 stars; one submission).

Allele frequency attached by ClinVar (database versions not stated): gnomAD exomes below 0.00001 and 0.00001.
gnomAD v4.1: 6 of 1,613,048 alleles (0.00037%); highest among the groups gnomAD compares: South Asian, 0.0022%; no homozygotes.

Submission:

Labcorp Genetics (formerly Invitae), Labcorp
Classification: Uncertain significance. Last evaluated: 2021-11-27. Review status: criteria provided, single submitter. Criteria: Invitae Variant Classification Sherloc (09022015). Collection method: clinical testing. Allele origin: germline.
Comment: This sequence change replaces asparagine, which is neutral and polar, with lysine, which is basic and polar, at codon 1257 of the MPDZ protein (p.Asn1257Lys). This variant is present in population databases (no rsID available, gnomAD 0.002%). This variant has not been reported in the literature in individuals affected with MPDZ-related conditions. Algorithms developed to predict the effect of missense changes on protein structure and function output the following: SIFT: "Deleterious"; PolyPhen-2: "Benign"; Align-GVGD: "Class C25". The lysine amino acid residue is found in multiple mammalian species, which suggests that this missense change does not adversely affect protein function. In summary, the available evidence is currently insufficient to determine the role of this variant in disease. Therefore, it has been classified as a Variant of Uncertain Significance.